The following is an entry in ClinVar:

NM_000553.6(WRN):c.1333G>A (p.Glu445Lys)

Gene: WRN (WRN RecQ like helicase; plus strand). Cytogenetic location: 8p12.
Variant type: single nucleotide variant.
Coding change: c.1333G>A on transcript NM_000553.6 (MANE Select); coding-DNA position 1333, G replaced by A.
Protein change: p.Glu445Lys; replaces glutamic acid 445 with lysine.
Molecular consequence: missense variant.
Genome position (GRCh38, 1-based): chr8:31,083,762, G>A. VCF-style: chr8-31083762-G-A. GRCh37 (hg19) VCF-style: chr8-30941278-G-A.
Other names: short protein forms E445K.
Identifiers: ClinVar variation 1500754 (VCV001500754.8), dbSNP rs2130133633, ClinGen allele CA370922824.

ClinVar aggregate classification (germline): Uncertain significance (1 of 4 stars; one submission).

Conditions:
Werner syndrome (WRN). Identifiers: Orphanet 902, MedGen C0043119, MONDO:0010196, OMIM 277700.

Submission:

Labcorp Genetics (formerly Invitae), Labcorp
Classification: Uncertain significance for Werner syndrome. Last evaluated: 2022-11-03. Review status: criteria provided, single submitter. Criteria: Invitae Variant Classification Sherloc (09022015). Collection method: clinical testing. Allele origin: germline.
Comment: This variant has not been reported in the literature in individuals affected with WRN-related conditions. In summary, the available evidence is currently insufficient to determine the role of this variant in disease. Therefore, it has been classified as a Variant of Uncertain Significance. Algorithms developed to predict the effect of missense changes on protein structure and function are either unavailable or do not agree on the potential impact of this missense change (SIFT: "Not Available"; PolyPhen-2: "Benign"; Align-GVGD: "Not Available"). ClinVar contains an entry for this variant (Variation ID: 1500754). This variant is not present in population databases (gnomAD no frequency). This sequence change replaces glutamic acid, which is acidic and polar, with lysine, which is basic and polar, at codon 445 of the WRN protein (p.Glu445Lys).